The following is an entry in ClinVar:

ClinVar aggregate classification (germline): Conflicting classifications of pathogenicity. Review status: criteria provided, conflicting classifications (1 of 4 stars). 2 submissions from 2 submitters: Uncertain significance (1); Benign (1). Last evaluated 2025-10-07.

Conditions:
Hereditary cancer-predisposing syndrome. Also called: Tumor predisposition; Hereditary Cancer Syndrome; Hereditary neoplastic syndrome; Neoplastic Syndromes, Hereditary. Identifiers: Orphanet 140162, MedGen C0027672, MeSH D009386, MONDO:0015356.
Familial adenomatous polyposis 2. Also called: FAP type 2; MUTYH Polyposis; COLORECTAL ADENOMATOUS POLYPOSIS, AUTOSOMAL RECESSIVE; ADENOMAS, MULTIPLE COLORECTAL, AUTOSOMAL RECESSIVE; MUTYH-associated polyposis; MUTYH-related attenuated familial adenomatous polyposis. Identifiers: Orphanet 220460, Orphanet 247798, MedGen C3272841, MONDO:0012041, OMIM 608456.

Submissions (2):

Labcorp Genetics (formerly Invitae), Labcorp
Classification: Uncertain significance for Familial adenomatous polyposis 2. Last evaluated: 2025-10-07. Review status: criteria provided, single submitter. Criteria: Invitae Variant Classification Sherloc (09022015). Collection method: clinical testing. Allele origin: germline.
Comment: This sequence change replaces glutamic acid, which is acidic and polar, with alanine, which is neutral and non-polar, at codon 331 of the MUTYH protein (p.Glu331Ala). This variant is not present in population databases (gnomAD no frequency). This variant has not been reported in the literature in individuals affected with MUTYH-related conditions. ClinVar contains an entry for this variant (Variation ID: 823556). An algorithm developed to predict the effect of missense changes on protein structure and function (PolyPhen-2) suggests that this variant is likely to be tolerated. In summary, the available evidence is currently insufficient to determine the role of this variant in disease. Therefore, it has been classified as a Variant of Uncertain Significance.

Ambry Genetics
Classification: Benign for Hereditary cancer-predisposing syndrome. Last evaluated: 2025-09-09. Review status: criteria provided, single submitter. Criteria: Ambry Variant Classification Scheme 2023. Collection method: clinical testing. Allele origin: germline.

NM_001048174.2(MUTYH):c.908A>C (p.Glu303Ala)

Gene: MUTYH (mutY DNA glycosylase; minus strand). Cytogenetic location: 1p34.1.
Variant type: single nucleotide variant.
Coding change: c.908A>C on transcript NM_001048174.2 (MANE Select); coding-DNA position 908, A replaced by C.
Protein change: p.Glu303Ala; replaces glutamic acid 303 with alanine.
Molecular consequence: missense variant. On other transcripts: non-coding transcript variant (2).
Genome position (GRCh38, 1-based): chr1:45,332,028, T>G on the plus strand (A>C on the coding strand, the complement: MUTYH is on the minus strand). VCF-style: chr1-45332028-T-G. GRCh37 (hg19) VCF-style: chr1-45797700-T-G.
Other names: c.908A>C, p.Glu303Ala (NM_001048171.2, NM_001048173.2, NM_001293195.2); c.911A>C, p.Glu304Ala (NM_001048172.2); c.992A>C, p.Glu331Ala (NM_001128425.2); c.953A>C, p.Glu318Ala (NM_001293190.2); c.941A>C, p.Glu314Ala (NM_001293191.2); c.632A>C, p.Glu211Ala (NM_001293192.2, NM_001293196.2); c.563A>C, p.Glu188Ala (NM_001350650.2, NM_001350651.2); c.983A>C, p.Glu328Ala (NM_012222.3); short protein forms E188A, E211A, E304A, E318A, E328A, E303A, E314A, E331A.
Identifiers: ClinVar variation 823556 (VCV000823556.7), dbSNP rs1374712964, ClinGen allele CA340134015.